The following is an entry in ClinVar:

ClinVar aggregate classification (germline): Uncertain significance (1 of 4 stars; one submission).

Conditions:
Familial hemophagocytic lymphohistiocytosis 5. Also called: STXBP2-Related Familial Hemophagocytic Lymphohistiocytosis (STXBP2-fHLH). Identifiers: Orphanet 540, MedGen C2751293, MONDO:0013135, OMIM 613101.

gnomAD v4.1: 1 of 1,587,040 alleles (0.000063%); highest among the groups gnomAD compares: Non-Finnish European, 0.000086%; no homozygotes.

Submission:

Labcorp Genetics (formerly Invitae), Labcorp
Classification: Uncertain significance for Familial hemophagocytic lymphohistiocytosis 5. Last evaluated: 2023-08-04. Review status: criteria provided, single submitter. Criteria: Invitae Variant Classification Sherloc (09022015). Collection method: clinical testing. Allele origin: germline.
Comment: This sequence change replaces glycine, which is neutral and non-polar, with valine, which is neutral and non-polar, at codon 445 of the STXBP2 protein (p.Gly445Val). In summary, the available evidence is currently insufficient to determine the role of this variant in disease. Therefore, it has been classified as a Variant of Uncertain Significance. Algorithms developed to predict the effect of sequence changes on RNA splicing suggest that this variant may create or strengthen a splice site. Advanced modeling of protein sequence and biophysical properties (such as structural, functional, and spatial information, amino acid conservation, physicochemical variation, residue mobility, and thermodynamic stability) has been performed at Invitae for this missense variant, however the output from this modeling did not meet the statistical confidence thresholds required to predict the impact of this variant on STXBP2 protein function. ClinVar contains an entry for this variant (Variation ID: 1392634). This variant has not been reported in the literature in individuals affected with STXBP2-related conditions. This variant is not present in population databases (gnomAD no frequency).

NM_006949.4(STXBP2):c.1334G>T (p.Gly445Val)

Gene: STXBP2 (syntaxin binding protein 2; plus strand). Cytogenetic location: 19p13.2.
Variant type: single nucleotide variant.
Coding change: c.1334G>T on transcript NM_006949.4 (MANE Select); coding-DNA position 1334, G replaced by T.
Protein change: p.Gly445Val; replaces glycine 445 with valine.
Molecular consequence: missense variant. On other transcripts: non-coding transcript variant (1).
Genome position (GRCh38, 1-based): chr19:7,645,284, G>T. VCF-style: chr19-7645284-G-T. GRCh37 (hg19) VCF-style: chr19-7710170-G-T.
Other names: c.1325G>T, p.Gly442Val (NM_001127396.3); c.1367G>T, p.Gly456Val (NM_001272034.2); short protein forms G442V, G445V, G456V.
Identifiers: ClinVar variation 1392634 (VCV001392634.8), dbSNP rs2032087931, ClinGen allele CA403161470.
Genomic context (GRCh38, chr19:7,645,284, plus strand): 5'-TGATCCAGCATGCCAATGTACAGGCGCACAGCAGCCTCATCCGTAACCTGGAGCAGCTGG[G>T]AGGCACTGTCACCAACCCCGGGGTACGCCAGGAGCGGGCATGGGGGGACCCTGGGAGAGG-3'
Protein context (NP_008880.2, residues 435-455): SSLIRNLEQL[Gly445Val]GTVTNPGGSG